The following is an entry in ClinVar:

NM_024675.4(PALB2):c.777T>A (p.Ser259Arg)

Gene: PALB2 (partner and localizer of BRCA2; minus strand). Cytogenetic location: 16p12.2.
Variant type: single nucleotide variant.
Coding change: c.777T>A on transcript NM_024675.4 (MANE Select); coding-DNA position 777, T replaced by A.
Protein change: p.Ser259Arg; replaces serine 259 with arginine.
Molecular consequence: missense variant.
Genome position (GRCh38, 1-based): chr16:23,635,769, A>T on the plus strand (T>A on the coding strand, the complement: PALB2 is on the minus strand). VCF-style: chr16-23635769-A-T. GRCh37 (hg19) VCF-style: chr16-23647090-A-T.
Other names: short protein forms S259R.
Identifiers: ClinVar variation 999663 (VCV000999663.9), dbSNP rs975045312, ClinGen allele CA395136087.
Genomic context (GRCh38, chr16:23,635,769, plus strand): 5'-TTTTAGGTCGTGAGTAGTAAGTTCACTGCTACCTTTAGGAGGAATGTGTTCAAGGTGCTG[A>T]CTACTACCGCTATCTGATAGAGTCTGTAAAGGAACTGTAGTCGCCCTGGTGAAATTAGGT-3'
Protein context (NP_078951.2, residues 249-269): PLQTLSDSGS[Ser259Arg]QHLEHIPPKG

ClinVar aggregate classification (germline): Uncertain significance (1 of 4 stars; one submission).

Conditions:
Familial cancer of breast. Also called: Hereditary breast cancer; hereditary breast carcinoma; BREAST CANCER, FAMILIAL. Identifiers: Orphanet 227535, MedGen C0346153, MONDO:0016419, OMIM 114480. Disease mechanism: loss of function.

Allele frequency attached by ClinVar (database versions not stated): gnomAD exomes below 0.00001.
gnomAD v4.1: 1 of 1,614,180 alleles (0.000062%); highest among the groups gnomAD compares: Non-Finnish European, 0.000085%; no homozygotes.

Submission:

Labcorp Genetics (formerly Invitae), Labcorp
Classification: Uncertain significance for Familial cancer of breast. Last evaluated: 2020-08-24. Review status: criteria provided, single submitter. Criteria: Invitae Variant Classification Sherloc (09022015). Collection method: clinical testing. Allele origin: germline.
Comment: Algorithms developed to predict the effect of missense changes on protein structure and function output the following: SIFT: "Tolerated"; PolyPhen-2: "Benign"; Align-GVGD: "Class C0". The arginine amino acid residue is found in multiple mammalian species, suggesting that this missense change does not adversely affect protein function. These predictions have not been confirmed by published functional studies and their clinical significance is uncertain. This sequence change replaces serine with arginine at codon 259 of the PALB2 protein (p.Ser259Arg). The serine residue is moderately conserved and there is a moderate physicochemical difference between serine and arginine. This variant is not present in population databases (ExAC no frequency). This variant has not been reported in the literature in individuals with PALB2-related conditions. In summary, the available evidence is currently insufficient to determine the role of this variant in disease. Therefore, it has been classified as a Variant of Uncertain Significance.